The following is an entry in ClinVar:

ClinVar aggregate classification (germline): Uncertain significance (1 of 4 stars; one submission).

Submission:

GeneDx
Classification: Uncertain significance. Last evaluated: 2019-07-11. Review status: criteria provided, single submitter. Criteria: GeneDx Variant Classification Process June 2021. Collection method: clinical testing. Allele origin: germline. Affected: yes.
Comment: Not observed in large population cohorts (Lek et al., 2016); In silico analysis, which includes protein predictors and evolutionary conservation, supports a deleterious effect; Has not been previously published as pathogenic or benign to our knowledge

NM_003383.5(VLDLR):c.2524G>A (p.Glu842Lys)

Gene: VLDLR (very low density lipoprotein receptor; plus strand). Cytogenetic location: 9p24.2.
Variant type: single nucleotide variant.
Coding change: c.2524G>A on transcript NM_003383.5 (MANE Select); coding-DNA position 2524, G replaced by A.
Protein change: p.Glu842Lys; replaces glutamic acid 842 with lysine.
Molecular consequence: missense variant.
Genome position (GRCh38, 1-based): chr9:2,652,887, G>A. VCF-style: chr9-2652887-G-A. GRCh37 (hg19) VCF-style: chr9-2652887-G-A.
Other names: c.2440G>A, p.Glu814Lys (NM_001018056.3); c.2401G>A, p.Glu801Lys (NM_001322225.2); c.2317G>A, p.Glu773Lys (NM_001322226.2); short protein forms E773K, E801K, E814K, E842K.
Identifiers: ClinVar variation 1306940 (VCV001306940.2), dbSNP rs2130810779, ClinGen allele CA372803057.